The following is an entry in ClinVar:

ClinVar aggregate classification (germline): Likely benign. Review status: criteria provided, multiple submitters, no conflicts (2 of 4 stars). 4 submissions from 4 submitters: Likely benign (4). Last evaluated 2026-01-05.

Allele frequency attached by ClinVar (database versions not stated): ExAC 0.00030; 1000 Genomes Project 30x 0.00047; gnomAD exomes 0.00073; TOPMed 0.00089; gnomAD 0.00093 and 0.00098.
gnomAD v4.1: 1,804 of 1,550,280 alleles (0.12%); highest among the groups gnomAD compares: Non-Finnish European, 0.14%; no homozygotes.

Submissions (4):

Labcorp Genetics (formerly Invitae), Labcorp
Classification: Likely benign. Last evaluated: 2026-01-05. Review status: criteria provided, single submitter. Criteria: Invitae Variant Classification Sherloc (09022015). Collection method: clinical testing. Allele origin: germline.

Blueprint Genetics
Classification: Likely benign. Last evaluated: 2024-11-26. Review status: criteria provided, single submitter. Criteria: ACMG Guidelines, 2015. Collection method: clinical testing. Allele origin: germline.

CeGaT Center for Human Genetics Tuebingen
Classification: Likely benign. Last evaluated: 2023-05-01. Review status: criteria provided, single submitter. Criteria: CeGaT Center For Human Genetics Tuebingen Variant Classification Criteria Version 2. Collection method: clinical testing. Allele origin: germline. Affected: yes. Observed: 1 variant allele.
Comment: PIEZO1: BP4

ARUP Laboratories, Molecular Genetics and Genomics, ARUP Laboratories
Classification: Likely benign. Last evaluated: 2022-05-27. Review status: criteria provided, single submitter. Criteria: ARUP Molecular Germline Variant Investigation Process 2021. Collection method: clinical testing. Allele origin: germline.

NM_001142864.4(PIEZO1):c.1849-6C>T

Genes: HSALR1 (HSP90AB1 associated lncRNA 1; plus strand), PIEZO1 (piezo type mechanosensitive ion channel component 1 (Er blood group); minus strand). Cytogenetic location: 16q24.3.
Variant type: single nucleotide variant.
Coding change: c.1849-6C>T on transcript NM_001142864.4 (MANE Select); 6 bases into the intron before coding-DNA position 1849, C replaced by T.
Molecular consequence: intron variant.
Genome position (GRCh38, 1-based): chr16:88,734,804, G>A on the plus strand (C>T on the coding strand, the complement: PIEZO1 is on the minus strand). VCF-style: chr16-88734804-G-A. GRCh37 (hg19) VCF-style: chr16-88801212-G-A.
Identifiers: ClinVar variation 708128 (VCV000708128.44), dbSNP rs780754421, ClinGen allele CA8232904.